The following is an entry in ClinVar:

NM_000702.4(ATP1A2):c.1388G>T (p.Gly463Val)

Gene: ATP1A2 (ATPase Na+/K+ transporting subunit alpha 2; plus strand). Cytogenetic location: 1q23.2.
Variant type: single nucleotide variant.
Coding change: c.1388G>T on transcript NM_000702.4 (MANE Select); coding-DNA position 1388, G replaced by T.
Protein change: p.Gly463Val; replaces glycine 463 with valine.
Molecular consequence: missense variant.
Genome position (GRCh38, 1-based): chr1:160,129,327, G>T. VCF-style: chr1-160129327-G-T. GRCh37 (hg19) VCF-style: chr1-160099117-G-T.
Other names: short protein forms G463V.
Identifiers: ClinVar variation 2838765 (VCV002838765.3), dbSNP rs2524869905, ClinGen allele CA343242001.

ClinVar aggregate classification (germline): Uncertain significance (1 of 4 stars; one submission).

Conditions:
Familial hemiplegic migraine. Identifiers: MedGen C0338484, MONDO:0000700.

Submission:

Labcorp Genetics (formerly Invitae), Labcorp
Classification: Uncertain significance for Familial hemiplegic migraine. Last evaluated: 2023-03-02. Review status: criteria provided, single submitter. Criteria: Invitae Variant Classification Sherloc (09022015). Collection method: clinical testing. Allele origin: germline.
Comment: In summary, the available evidence is currently insufficient to determine the role of this variant in disease. Therefore, it has been classified as a Variant of Uncertain Significance. Advanced modeling of protein sequence and biophysical properties (such as structural, functional, and spatial information, amino acid conservation, physicochemical variation, residue mobility, and thermodynamic stability) performed at Invitae indicates that this missense variant is not expected to disrupt ATP1A2 protein function. This variant has not been reported in the literature in individuals affected with ATP1A2-related conditions. This variant is not present in population databases (gnomAD no frequency). This sequence change replaces glycine, which is neutral and non-polar, with valine, which is neutral and non-polar, at codon 463 of the ATP1A2 protein (p.Gly463Val).